The following is an entry in ClinVar:

ClinVar aggregate classification (germline): Uncertain significance (1 of 4 stars; one submission).

Conditions:
Bailey-Bloch congenital myopathy (CMYO13). Also called: Native American myopathy; STAC3 disorder; Congenital myopathy 13. Identifiers: Orphanet 168572, MedGen C1850625, MONDO:0009722, OMIM 255995.

Submission:

Labcorp Genetics (formerly Invitae), Labcorp
Classification: Uncertain significance for Bailey-Bloch congenital myopathy. Last evaluated: 2021-01-24. Review status: criteria provided, single submitter. Criteria: Invitae Variant Classification Sherloc (09022015). Collection method: clinical testing. Allele origin: germline.
Comment: This sequence change replaces threonine with isoleucine at codon 358 of the STAC3 protein (p.Thr358Ile). The threonine residue is moderately conserved and there is a moderate physicochemical difference between threonine and isoleucine. This variant is not present in population databases (ExAC no frequency). This variant has not been reported in the literature in individuals with STAC3-related conditions. Algorithms developed to predict the effect of missense changes on protein structure and function (SIFT, PolyPhen-2, Align-GVGD) all suggest that this variant is likely to be tolerated, but these predictions have not been confirmed by published functional studies and their clinical significance is uncertain. In summary, the available evidence is currently insufficient to determine the role of this variant in disease. Therefore, it has been classified as a Variant of Uncertain Significance.

NM_145064.3(STAC3):c.1073C>T (p.Thr358Ile)

Gene: STAC3 (SH3 and cysteine rich domain 3; minus strand). Cytogenetic location: 12q13.3.
Variant type: single nucleotide variant.
Coding change: c.1073C>T on transcript NM_145064.3 (MANE Select); coding-DNA position 1073, C replaced by T.
Protein change: p.Thr358Ile; replaces threonine 358 with isoleucine.
Molecular consequence: missense variant. On other transcripts: non-coding transcript variant (1).
Genome position (GRCh38, 1-based): chr12:57,243,834, G>A on the plus strand (C>T on the coding strand, the complement: STAC3 is on the minus strand). VCF-style: chr12-57243834-G-A. GRCh37 (hg19) VCF-style: chr12-57637617-G-A.
Other names: c.956C>T, p.Thr319Ile (NM_001286256.2); c.515C>T, p.Thr172Ile (NM_001286257.2); short protein forms T319I, T358I, T172I.
Identifiers: ClinVar variation 1515119 (VCV001515119.8), dbSNP rs2136820993, ClinGen allele CA385409058.